The following is an entry in ClinVar:

ClinVar aggregate classification (germline): Benign/Likely benign. Review status: criteria provided, multiple submitters, no conflicts (2 of 4 stars). 7 submissions from 7 submitters: Benign (1); Likely benign (6). Last evaluated 2025-12-27.

Conditions:
Rubinstein-Taybi syndrome (RSTS). Identifiers: Orphanet 783, MedGen C0035934, MONDO:0019188.
Inborn genetic diseases. Identifiers: MedGen C0950123, MeSH D030342.
Menke-Hennekam syndrome 1 (MKHK1). Identifiers: MedGen C5193034, MONDO:0020763, OMIM 618332.
Rubinstein-Taybi syndrome due to CREBBP mutations (RSTS1). Also called: Rubinstein-Taybi syndrome 1; RUBINSTEIN-TAYBI SYNDROME 1, INCOMPLETE; BROAD THUMBS AND GREAT TOES, CHARACTERISTIC FACIES, AND IMPAIRED INTELLECTUAL DEVELOPMENT; CREBBP-Related Rubinstein-Taybi Syndrome; BROAD THUMB-HALLUX SYNDROME; RUBINSTEIN SYNDROME. Identifiers: Orphanet 353277, Orphanet 783, MedGen C4551859, MONDO:0008393, OMIM 180849.

Allele frequency attached by ClinVar (database versions not stated): gnomAD exomes 0.00037 and 0.00068; ExAC 0.00045; gnomAD 0.00050; TOPMed 0.00053; ESP Exome Variant Server 0.00069.
gnomAD v4.1: 654 of 1,613,250 alleles (0.041%); highest among the groups gnomAD compares: Middle Eastern, 0.018%; 1 homozygote.

Submissions (7):

Labcorp Genetics (formerly Invitae), Labcorp
Classification: Benign for Rubinstein-Taybi syndrome. Last evaluated: 2025-12-27. Review status: criteria provided, single submitter. Criteria: Invitae Variant Classification Sherloc (09022015). Collection method: clinical testing. Allele origin: germline.

CeGaT Center for Human Genetics Tuebingen
Classification: Likely benign. Last evaluated: 2024-09-01. Review status: criteria provided, single submitter. Criteria: CeGaT Center For Human Genetics Tuebingen Variant Classification Criteria Version 2. Collection method: clinical testing. Allele origin: germline. Affected: yes. Observed: 3 variant alleles.
Comment: CREBBP: BP4, BP7, BS1

Blueprint Genetics
Classification: Likely benign. Last evaluated: 2024-06-10. Review status: criteria provided, single submitter. Criteria: ACMG Guidelines, 2015. Collection method: clinical testing. Allele origin: germline.

Fulgent Genetics
Classification: Likely benign for Rubinstein-Taybi syndrome due to CREBBP mutations; Menke-Hennekam syndrome 1. Last evaluated: 2021-11-04. Review status: criteria provided, single submitter. Criteria: ACMG Guidelines, 2015. Collection method: clinical testing. Allele origin: unknown.

GeneDx
Classification: Likely benign. Last evaluated: 2020-12-22. Review status: criteria provided, single submitter. Criteria: GeneDx Variant Classification Process June 2021. Collection method: clinical testing. Allele origin: germline. Affected: yes.

Ambry Genetics
Classification: Likely benign for Inborn genetic diseases. Last evaluated: 2018-01-30. Review status: criteria provided, single submitter. Criteria: Ambry Variant Classification Scheme 2023. Collection method: clinical testing. Allele origin: germline.

Eurofins Ntd Llc (ga)
Classification: Likely benign. Last evaluated: 2017-04-25. Review status: criteria provided, single submitter. Criteria: EGL Classification Definitions 2015. Collection method: clinical testing. Allele origin: germline. Observed: 1 variant allele, 1 heterozygote.

NM_004380.3(CREBBP):c.2409C>T (p.Ser803=)

Gene: CREBBP (CREB binding lysine acetyltransferase; minus strand). Cytogenetic location: 16p13.3.
Variant type: single nucleotide variant.
Coding change: c.2409C>T on transcript NM_004380.3 (MANE Select); coding-DNA position 2409, C replaced by T.
Protein change: p.Ser803=; no amino-acid change (serine 803 retained).
Molecular consequence: synonymous variant.
Genome position (GRCh38, 1-based): chr16:3,773,805, G>A on the plus strand (C>T on the coding strand, the complement: CREBBP is on the minus strand). VCF-style: chr16-3773805-G-A. GRCh37 (hg19) VCF-style: chr16-3823806-G-A.
Other names: c.2295C>T, p.Ser765= (NM_001079846.1).
Identifiers: ClinVar variation 501384 (VCV000501384.40), dbSNP rs139207930, ClinGen allele CA7870145.
Genomic context (GRCh38, chr16:3,773,805, plus strand): 5'-CAGTACCTGTGACACGCCTGTTTGGGCTGGCGGCTGCCCCATGCCCACACTCATCGCCCC[G>A]CTGGATGACGGGAACTGGTTCTGTGGCAGAAACTGGCTCTGAGCGGGCGCCTGGGCCATC-3'
Protein context (NP_004371.2, residues 793-813): FLPQNQFPSS[Ser803=]GAMSVGMGQP